The following is an entry in ClinVar:

ClinVar aggregate classification (germline): Pathogenic (1 of 4 stars; one submission).

Conditions:
Familial cancer of breast. Also called: Hereditary breast cancer; BREAST CANCER, FAMILIAL; hereditary breast carcinoma. Identifiers: Orphanet 227535, MedGen C0346153, MONDO:0016419, OMIM 114480. Disease mechanism: loss of function.

Submission:

Myriad Genetics, Inc.
Classification: Pathogenic for Familial cancer of breast. Last evaluated: 2023-09-07. Review status: criteria provided, single submitter. Criteria: Myriad Autosomal Dominant, Autosomal Recessive and X-Linked Classification Criteria (2023). Collection method: clinical testing. Allele origin: unknown.
Comment: This variant is considered pathogenic. This variant creates a termination codon and is predicted to result in premature protein truncation.

NM_024675.4(PALB2):c.964G>T (p.Glu322Ter)

Gene: PALB2 (partner and localizer of BRCA2; minus strand). Cytogenetic location: 16p12.2.
Variant type: single nucleotide variant.
Coding change: c.964G>T on transcript NM_024675.4 (MANE Select); coding-DNA position 964, G replaced by T.
Protein change: p.Glu322Ter; replaces glutamic acid 322 with a stop codon.
Molecular consequence: nonsense. On other transcripts: intron variant (3).
Genome position (GRCh38, 1-based): chr16:23,635,582, C>A on the plus strand (G>T on the coding strand, the complement: PALB2 is on the minus strand). VCF-style: chr16-23635582-C-A. GRCh37 (hg19) VCF-style: chr16-23646903-C-A.
Other names: c.904G>T, p.Glu302Ter (NM_001407296.1); c.964G>T, p.Glu322Ter (NM_001407297.1, NM_001407298.1, NM_001407299.1 and 3 more transcripts); c.79G>T, p.Glu27Ter (NM_001407304.1, NM_001407305.1, NM_001407306.1 and 5 more transcripts); c.48+5528G>T (NM_001407314.1); c.-104-5113G>T (NM_001407313.1, NM_001407312.1); short protein forms E27*, E302*, E322*.
Identifiers: ClinVar variation 2673880 (VCV002673880.1), dbSNP rs1597097656, ClinGen allele CA395134933.